The following is an entry in ClinVar:

ClinVar aggregate classification (germline): Uncertain significance. Review status: criteria provided, multiple submitters, no conflicts (2 of 4 stars). 2 submissions from 2 submitters: Uncertain significance (2). Last evaluated 2026-01-31.

Conditions:
Pancreatic adenocarcinoma. Identifiers: MedGen C0281361, MONDO:0006047, HP:0006725.
Pancreatic cancer, susceptibility to, 1. Identifiers: Orphanet 1333, MedGen C1847351, MONDO:0011739, OMIM 606856.

Allele frequency attached by ClinVar (database versions not stated): gnomAD exomes 0.00004 and 0.00006; ExAC 0.00008; ESP Exome Variant Server 0.00015; TOPMed 0.00008; gnomAD 0.00009.
gnomAD v4.1: 65 of 1,609,684 alleles (0.004%); highest among the groups gnomAD compares: South Asian, 0.0088%; no homozygotes.

Submissions (2):

Labcorp Genetics (formerly Invitae), Labcorp
Classification: Uncertain significance for Pancreatic adenocarcinoma. Last evaluated: 2026-01-31. Review status: criteria provided, single submitter. Criteria: Invitae Variant Classification Sherloc (09022015). Collection method: clinical testing. Allele origin: germline.
Comment: This sequence change replaces arginine, which is basic and polar, with cysteine, which is neutral and slightly polar, at codon 465 of the PALLD protein (p.Arg465Cys). This variant is present in population databases (rs374741161, gnomAD 0.02%). This variant has not been reported in the literature in individuals affected with PALLD-related conditions. ClinVar contains an entry for this variant (Variation ID: 128107). An algorithm developed to predict the effect of missense changes on protein structure and function (PolyPhen-2) suggests that this variant is likely to be disruptive. In summary, the available evidence is currently insufficient to determine the role of this variant in disease. Therefore, it has been classified as a Variant of Uncertain Significance.

Institute of Immunology and Genetics Kaiserslautern
Classification: Uncertain significance for Pancreatic cancer, susceptibility to, 1. Last evaluated: 2025-10-13. Review status: criteria provided, single submitter. Criteria: ACMG Guidelines, 2015. Collection method: clinical testing. Allele origin: germline. Affected: yes.
Comment: ACMG Criteria: PM2_P; Variant was found in heterozygous state.

NM_001166108.2(PALLD):c.2905C>T (p.Arg969Cys)

Genes: CBR4 (carbonyl reductase 4; minus strand), PALLD (palladin, cytoskeletal associated protein; plus strand). Cytogenetic location: 4q32.3.
Variant type: single nucleotide variant.
Coding change: c.2905C>T on transcript NM_001166108.2 (MANE Select); coding-DNA position 2905, C replaced by T.
Protein change: p.Arg969Cys; replaces arginine 969 with cysteine.
Molecular consequence: missense variant.
Genome position (GRCh38, 1-based): chr4:168,921,588, C>T. VCF-style: chr4-168921588-C-T. GRCh37 (hg19) VCF-style: chr4-169842739-C-T.
Other names: c.1708C>T, p.Arg570Cys (NM_001166109.2); c.1393C>T, p.Arg465Cys (NM_001166110.2); c.733C>T, p.Arg245Cys (NM_001367567.1, NM_001367569.1); c.784C>T, p.Arg262Cys (NM_001367568.1, NM_001367570.1); c.2854C>T, p.Arg952Cys (NM_016081.4); short protein forms R952C, R465C, R262C, R570C, R245C, R969C.
Identifiers: ClinVar variation 128107 (VCV000128107.19), dbSNP rs374741161, ClinGen allele CA288365.